The following is an entry in ClinVar:

ClinVar aggregate classification (germline): Likely benign (1 of 4 stars; one submission).

Conditions:
Arrhythmogenic right ventricular cardiomyopathy (ARVD). Also called: Arrhythmogenic right ventricular dysplasia; Cardiomyopathy, ARVC; Arrhythmogenic cardiomyopathy; Arrhythmogenic Right Ventricular Cardiomyopathy (ARVC). Identifiers: Orphanet 247, MedGen C0349788, MeSH D019571, MONDO:0016587. Disease mechanism: loss of function. Inheritance: Various modes of inheritance.

Allele frequency attached by ClinVar (database versions not stated): gnomAD exomes below 0.00001.
gnomAD v4.1: 2 of 1,613,888 alleles (0.00012%); highest among the groups gnomAD compares: African/African-American, 0.0013%; no homozygotes.

Submission:

All of Us Research Program, National Institutes of Health
Classification: Likely benign for Arrhythmogenic right ventricular cardiomyopathy. Last evaluated: 2023-06-26. Review status: criteria provided, single submitter. Criteria: ACMG Guidelines, 2015. Collection method: clinical testing. Allele origin: germline. Inheritance: Autosomal dominant inheritance. Observed: 2 variant alleles, 2 heterozygotes.
Comment: This study involves interpretation of variants in research participants for the purpose of population health screening. Participant phenotype was not available at the time of variant classification. Additional details can be found in publication PMID: 35346344, PMCID: PMC8962531

NM_001943.5(DSG2):c.480A>C (p.Thr160=)

Gene: DSG2 (desmoglein 2; plus strand). Cytogenetic location: 18q12.1.
Variant type: single nucleotide variant.
Coding change: c.480A>C on transcript NM_001943.5 (MANE Select); coding-DNA position 480, A replaced by C.
Protein change: p.Thr160=; no amino-acid change (threonine 160 retained).
Molecular consequence: synonymous variant.
Genome position (GRCh38, 1-based): chr18:31,521,200, A>C. VCF-style: chr18-31521200-A-C. GRCh37 (hg19) VCF-style: chr18-29101163-A-C.
Identifiers: ClinVar variation 3071651 (VCV003071651.1), dbSNP rs2510911129, ClinGen allele CA503597351.
Genomic context (GRCh38, chr18:31,521,200, plus strand): 5'-GAAACCCTTAGAGCTACGCATTAAGGTTCTTGATATCAATGACAACGAACCAGTGTTCAC[A>C]CAGGATGTCTTTGTTGGGTCTGTTGAAGAGTTGAGTGCAGCACGTAAGAGTCTTTTTTTT-3'
Protein context (NP_001934.2, residues 150-170): LDINDNEPVF[Thr160=]QDVFVGSVEE